The following is an entry in ClinVar:

ClinVar aggregate classification (germline): Uncertain significance (1 of 4 stars; one submission).

Conditions:
Cardiovascular phenotype. Identifiers: MedGen CN230736.

Submission:

Ambry Genetics
Classification: Uncertain significance for Cardiovascular phenotype. Last evaluated: 2020-03-27. Review status: criteria provided, single submitter. Criteria: Ambry Variant Classification Scheme 2023. Collection method: clinical testing. Allele origin: germline.
Comment: The p.L5425Q variant (also known as c.16274T>A), located in coding exon 62 of the TTN gene, results from a T to A substitution at nucleotide position 16274. The leucine at codon 5425 is replaced by glutamine, an amino acid with dissimilar properties. This amino acid position is highly conserved in available vertebrate species. In addition, the in silico prediction for this alteration is inconclusive. Since supporting evidence is limited at this time, the clinical significance of this alteration remains unclear.

NM_001267550.2(TTN):c.43469T>A (p.Leu14490Gln)

Gene: TTN (titin; minus strand). Cytogenetic location: 2q31.2.
Variant type: single nucleotide variant.
Coding change: c.43469T>A on transcript NM_001267550.2 (MANE Select); coding-DNA position 43469, T replaced by A.
Protein change: p.Leu14490Gln; replaces leucine 14490 with glutamine.
Molecular consequence: missense variant.
Genome position (GRCh38, 1-based): chr2:178,632,537, A>T on the plus strand (T>A on the coding strand, the complement: TTN is on the minus strand). VCF-style: chr2-178632537-A-T. GRCh37 (hg19) VCF-style: chr2-179497264-A-T.
Other names: c.38546T>A, p.Leu12849Gln (NM_001256850.1); c.16274T>A, p.Leu5425Gln (NM_003319.4); c.35765T>A, p.Leu11922Gln (NM_133378.4); c.16649T>A, p.Leu5550Gln (NM_133432.3); c.16850T>A, p.Leu5617Gln (NM_133437.4); short protein forms L5425Q, L11922Q, L14490Q, L5550Q, L12849Q, L5617Q.
Identifiers: ClinVar variation 1776716 (VCV001776716.2), dbSNP rs2154221765, ClinGen allele CA349650520.